The following is an entry in ClinVar:

ClinVar aggregate classification (germline): Uncertain significance (1 of 4 stars; one submission).

Conditions:
Neuropathy, hereditary sensory and autonomic, type 1C. Also called: HSAN IC; HSN IC. Identifiers: Orphanet 36386, MedGen C3150896, MONDO:0013337, OMIM 613640.

Submission:

Labcorp Genetics (formerly Invitae), Labcorp
Classification: Uncertain significance for Neuropathy, hereditary sensory and autonomic, type 1C. Last evaluated: 2021-03-07. Review status: criteria provided, single submitter. Criteria: Invitae Variant Classification Sherloc (09022015). Collection method: clinical testing. Allele origin: germline.
Comment: Algorithms developed to predict the effect of missense changes on protein structure and function (SIFT, PolyPhen-2, Align-GVGD) all suggest that this variant is likely to be tolerated, but these predictions have not been confirmed by published functional studies and their clinical significance is uncertain. This variant has not been reported in the literature in individuals with SPTLC2-related conditions. This variant is not present in population databases (ExAC no frequency). This sequence change replaces isoleucine with valine at codon 460 of the SPTLC2 protein (p.Ile460Val). The isoleucine residue is moderately conserved and there is a small physicochemical difference between isoleucine and valine. In summary, the available evidence is currently insufficient to determine the role of this variant in disease. Therefore, it has been classified as a Variant of Uncertain Significance.

NM_004863.4(SPTLC2):c.1378A>G (p.Ile460Val)

Gene: SPTLC2 (serine palmitoyltransferase long chain base subunit 2; minus strand). Cytogenetic location: 14q24.3.
Variant type: single nucleotide variant.
Coding change: c.1378A>G on transcript NM_004863.4 (MANE Select); coding-DNA position 1378, A replaced by G.
Protein change: p.Ile460Val; replaces isoleucine 460 with valine.
Molecular consequence: missense variant.
Genome position (GRCh38, 1-based): chr14:77,521,507, T>C on the plus strand (A>G on the coding strand, the complement: SPTLC2 is on the minus strand). VCF-style: chr14-77521507-T-C. GRCh37 (hg19) VCF-style: chr14-77987850-T-C.
Other names: short protein forms I460V.
Identifiers: ClinVar variation 1390169 (VCV001390169.8), dbSNP rs2139994945, ClinGen allele CA390700861.